The following is an entry in ClinVar:

NM_004370.6(COL12A1):c.3943G>T (p.Asp1315Tyr)

Gene: COL12A1 (collagen type XII alpha 1 chain; minus strand). Cytogenetic location: 6q13.
Variant type: single nucleotide variant.
Coding change: c.3943G>T on transcript NM_004370.6 (MANE Select); coding-DNA position 3943, G replaced by T.
Protein change: p.Asp1315Tyr; replaces aspartic acid 1315 with tyrosine.
Molecular consequence: missense variant.
Genome position (GRCh38, 1-based): chr6:75,151,924, C>A on the plus strand (G>T on the coding strand, the complement: COL12A1 is on the minus strand). VCF-style: chr6-75151924-C-A. GRCh37 (hg19) VCF-style: chr6-75861640-C-A.
Other names: c.451G>T, p.Asp151Tyr (NM_080645.3); short protein forms D1315Y, D151Y.
Identifiers: ClinVar variation 1956550 (VCV001956550.5), dbSNP rs185615367, ClinGen allele CA364747927.

ClinVar aggregate classification (germline): Uncertain significance (1 of 4 stars; one submission).

Conditions:
Ullrich congenital muscular dystrophy 2 (UCMD2). Identifiers: Orphanet 75840, MedGen C4225314, MONDO:0014654, OMIM 616470.
Bethlem myopathy 2 (BTHLM2). Identifiers: Orphanet 536516, Orphanet 610, MedGen C4225313, MONDO:0034022, OMIM 616471.

Submission:

Labcorp Genetics (formerly Invitae), Labcorp
Classification: Uncertain significance for Bethlem myopathy 2; Ullrich congenital muscular dystrophy 2. Last evaluated: 2021-12-29. Review status: criteria provided, single submitter. Criteria: Invitae Variant Classification Sherloc (09022015). Collection method: clinical testing. Allele origin: germline.
Comment: This variant has not been reported in the literature in individuals affected with COL12A1-related conditions. Algorithms developed to predict the effect of missense changes on protein structure and function are either unavailable or do not agree on the potential impact of this missense change (SIFT: "Deleterious"; PolyPhen-2: "Probably Damaging"; Align-GVGD: "Class C0"). In summary, the available evidence is currently insufficient to determine the role of this variant in disease. Therefore, it has been classified as a Variant of Uncertain Significance. This sequence change replaces aspartic acid, which is acidic and polar, with tyrosine, which is neutral and polar, at codon 1315 of the COL12A1 protein (p.Asp1315Tyr). This variant is not present in population databases (gnomAD no frequency).